The following is an entry in ClinVar:

ClinVar aggregate classification (germline): Uncertain significance (1 of 4 stars; one submission).

Conditions:
Hereditary pheochromocytoma and paraganglioma. Also called: Hereditary pheochromocytoma-paraganglioma; Hereditary Paraganglioma-Pheochromocytoma Syndromes; Hereditary paragangliomas and pheochromocytomas. Identifiers: Orphanet 29072, MedGen C4274332, MONDO:0017366.

Submission:

Labcorp Genetics (formerly Invitae), Labcorp
Classification: Uncertain significance for Hereditary pheochromocytoma and paraganglioma. Last evaluated: 2019-05-10. Review status: criteria provided, single submitter. Criteria: Invitae Variant Classification Sherloc (09022015). Collection method: clinical testing. Allele origin: germline.
Comment: In summary, the available evidence is currently insufficient to determine the role of this variant in disease. Therefore, it has been classified as a Variant of Uncertain Significance. Algorithms developed to predict the effect of missense changes on protein structure and function output the following: SIFT: "Tolerated"; PolyPhen-2: "Benign"; Align-GVGD: "Class C0". The isoleucine amino acid residue is found in multiple mammalian species, suggesting that this missense change does not adversely affect protein function. These predictions have not been confirmed by published functional studies and their clinical significance is uncertain. This variant has not been reported in the literature in individuals with SDHAF2-related conditions. This variant is not present in population databases (ExAC no frequency). This sequence change replaces valine with isoleucine at codon 136 of the SDHAF2 protein (p.Val136Ile). The valine residue is highly conserved and there is a small physicochemical difference between valine and isoleucine.

NM_017841.4(SDHAF2):c.406G>A (p.Val136Ile)

Gene: SDHAF2 (succinate dehydrogenase complex assembly factor 2; plus strand). Cytogenetic location: 11q12.2.
Variant type: single nucleotide variant.
Coding change: c.406G>A on transcript NM_017841.4 (MANE Select); coding-DNA position 406, G replaced by A.
Protein change: p.Val136Ile; replaces valine 136 with isoleucine.
Molecular consequence: missense variant.
Genome position (GRCh38, 1-based): chr11:61,445,976, G>A. VCF-style: chr11-61445976-G-A. GRCh37 (hg19) VCF-style: chr11-61213448-G-A.
Other names: short protein forms V136I.
Identifiers: ClinVar variation 939673 (VCV000939673.9), dbSNP rs1862132068, ClinGen allele CA380685315.